The following is an entry in ClinVar:

ClinVar aggregate classification (germline): Benign (1 of 4 stars; one submission).

Conditions:
Weill-Marchesani 4 syndrome, recessive. Also called: Weill-Marchesani syndrome 4. Identifiers: Orphanet 363992, MedGen C2750787, MONDO:0013176, OMIM 613195.

Allele frequency attached by ClinVar (database versions not stated): gnomAD 0.00651 and 0.00697; TOPMed 0.00747; 1000 Genomes Project 0.00879; 1000 Genomes Project 30x 0.00906.

Submission:

Illumina Laboratory Services, Illumina
Classification: Benign for Weill-Marchesani 4 syndrome, recessive. Last evaluated: 2018-01-12. Review status: criteria provided, single submitter. Criteria: ICSL Variant Classification Criteria 13 December 2019. Collection method: clinical testing. Allele origin: germline.
Comment: This variant was observed in the ICSL laboratory as part of a predisposition screen in an ostensibly healthy population. It had not been previously curated by ICSL or reported in the Human Gene Mutation Database (HGMD: prior to June 1st, 2018), and was therefore a candidate for classification through an automated scoring system. Utilizing variant allele frequency, disease prevalence and penetrance estimates, and inheritance mode, an automated score was calculated to assess if this variant is too frequent to cause the disease. Based on the score and internal cut-off values, a variant classified as benign is not then subjected to further curation. The score for this variant resulted in a classification of benign for this disease.

NM_139057.4(ADAMTS17):c.*1992G>A

Gene: ADAMTS17 (ADAM metallopeptidase with thrombospondin type 1 motif 17; minus strand). Cytogenetic location: 15q26.3.
Variant type: single nucleotide variant.
Coding change: c.*1992G>A on transcript NM_139057.4 (MANE Select); 1992 bases downstream of the stop codon, G replaced by A.
Molecular consequence: 3 prime UTR variant.
Genome position (GRCh38, 1-based): chr15:99,972,410, C>T on the plus strand (G>A on the coding strand, the complement: ADAMTS17 is on the minus strand). VCF-style: chr15-99972410-C-T. GRCh37 (hg19) VCF-style: chr15-100512615-C-T.
Identifiers: ClinVar variation 315166 (VCV000315166.5), dbSNP rs114383018, ClinGen allele CA10647638.